The following is an entry in ClinVar:

ClinVar aggregate classification (germline): Uncertain significance. Review status: criteria provided, multiple submitters, no conflicts (2 of 4 stars). 2 submissions from 2 submitters: Uncertain significance (2). Last evaluated 2026-08-17.

Conditions:
Cardiovascular phenotype. Identifiers: MedGen CN230736.
Hypertrophic cardiomyopathy. Also called: HYPERTROPHIC MYOCARDIOPATHY. Identifiers: Orphanet 217569, MedGen C0007194, MeSH D002312, MONDO:0005045, HP:0001639.

Submissions (2):

Ambry Genetics
Classification: Uncertain significance for Cardiovascular phenotype. Last evaluated: 2026-08-17. Review status: criteria provided, single submitter. Criteria: Ambry Variant Classification Scheme 2023. Collection method: clinical testing. Allele origin: germline.
Comment: The c.2312_2320delGGCTGCTGG variant (also known as p.G771_L773del) is located in coding exon 19 of the MYH7 gene. This variant results from an in-frame GGCTGCTGG deletion at nucleotide positions 2312 to 2320. This results in the in-frame deletion of three residues (GLL) from codon 771 to 773. This amino acid region ranges from well conserved to highly conserved in available vertebrate species. In addition, this variant is predicted to be deleterious by in silico analysis (Choi Y et al. PLoS ONE. 2012; 7(10):e46688). Based on the available evidence, the clinical significance of this variant remains unclear.

Labcorp Genetics (formerly Invitae), Labcorp
Classification: Uncertain significance for Hypertrophic cardiomyopathy. Last evaluated: 2021-05-27. Review status: criteria provided, single submitter. Criteria: Invitae Variant Classification Sherloc (09022015). Collection method: clinical testing. Allele origin: germline.
Comment: This variant is not present in population databases (ExAC no frequency). This variant has been observed in individual(s) with clinical features of hypertrophic cardiomyopathy (PMID: 27885498). This variant is also described as c.2302_2310delGGGCTGCTG (p.768_770 del G,L,L) in the literature. This variant, c.2312_2320del, results in the deletion of 3 amino acid(s) of the MYH7 protein (p.Gly771_Leu773del), but otherwise preserves the integrity of the reading frame. In summary, the available evidence is currently insufficient to determine the role of this variant in disease. Therefore, it has been classified as a Variant of Uncertain Significance. Experimental studies and prediction algorithms are not available or were not evaluated, and the functional significance of this variant is currently unknown.

Literature cited by the submitters: PubMed 27885498 (cited by Labcorp Genetics (formerly Invitae), Labcorp).

NM_000257.4(MYH7):c.2303GGCTGCTGG[1] (p.768GLL[1])

Genes: MYH7 (myosin heavy chain 7; minus strand), LOC126861898 (BRD4-independent group 4 enhancer GRCh37_chr14:23893609-23894808; plus strand). Cytogenetic location: 14q11.2.
Variant type: Microsatellite.
Coding change: c.2303GGCTGCTGG[1] on transcript NM_000257.4 (MANE Select); one copy of the 9-base unit GGCTGCTGG starting at c.2303; the reference has two copies in a row; one copy, 9 bases deleted.
Protein change: p.768GLL[1].
Molecular consequence: inframe deletion.
Genome position (GRCh38, 1-based): chr14:23,425,385-23,425,393, CCAGCAGCC deleted on the plus strand (GGCTGCTGG on the coding strand, the reverse complement: MYH7 is on the minus strand); deleting any 9 consecutive bases within chr14:23,425,385-23,425,403 gives the same sequence; the position shown is the placement nearest the transcript's 3' end. VCF-style (leftmost placement, unchanged base first): chr14-23425384-TCCAGCAGCC-T. GRCh37 (hg19) VCF-style: chr14-23894593-TCCAGCAGCC-T.
Other names: c.2312_2320delGGCTGCTGG (NM_000257.4).
Identifiers: ClinVar variation 1446436 (VCV001446436.9), dbSNP rs863224647, ClinGen allele CA913184893.